The following is an entry in ClinVar:

ClinVar aggregate classification (germline): Uncertain significance (1 of 4 stars; one submission).

Conditions:
Hereditary pancreatitis (PCTT). Also called: Hereditary chronic pancreatitis; PRSS1-Related Hereditary Pancreatitis. Identifiers: Orphanet 676, MedGen C0238339, MONDO:0008185, OMIM 167800.

Submission:

Ambry Genetics
Classification: Uncertain significance for Hereditary pancreatitis. Last evaluated: 2024-08-16. Review status: criteria provided, single submitter. Criteria: Ambry Variant Classification Scheme 2023. Collection method: clinical testing. Allele origin: germline.
Comment: The p.I90T variant (also known as c.269T>C), located in coding exon 3 of the CPA1 gene, results from a T to C substitution at nucleotide position 269. The isoleucine at codon 90 is replaced by threonine, an amino acid with similar properties. This amino acid position is conserved. In addition, the in silico prediction for this alteration is inconclusive. Based on the available evidence, the clinical significance of this variant remains unclear.

NM_001868.4(CPA1):c.269T>C (p.Ile90Thr)

Gene: CPA1 (carboxypeptidase A1; plus strand). Cytogenetic location: 7q32.2.
Variant type: single nucleotide variant.
Coding change: c.269T>C on transcript NM_001868.4 (MANE Select); coding-DNA position 269, T replaced by C.
Protein change: p.Ile90Thr; replaces isoleucine 90 with threonine.
Molecular consequence: missense variant.
Genome position (GRCh38, 1-based): chr7:130,381,751, T>C. VCF-style: chr7-130381751-T-C. GRCh37 (hg19) VCF-style: chr7-130021592-T-C.
Other names: short protein forms I90T.
Identifiers: ClinVar variation 3496193 (VCV003496193.1).